The following is an entry in ClinVar:

ClinVar aggregate classification (germline): Uncertain significance (1 of 4 stars; one submission).

gnomAD v4.1: 19 of 1,614,028 alleles (0.0012%); highest among the groups gnomAD compares: African/African-American, 0.004%; no homozygotes.

Submission:

Labcorp Genetics (formerly Invitae), Labcorp
Classification: Uncertain significance. Last evaluated: 2024-04-03. Review status: criteria provided, single submitter. Criteria: Invitae Variant Classification Sherloc (09022015). Collection method: clinical testing. Allele origin: germline.
Comment: This sequence change replaces alanine, which is neutral and non-polar, with valine, which is neutral and non-polar, at codon 43 of the FECH protein (p.Ala43Val). This variant is present in population databases (rs779041739, gnomAD 0.007%). This variant has not been reported in the literature in individuals affected with FECH-related conditions. Algorithms developed to predict the effect of missense changes on protein structure and function output the following: SIFT: "Not Available"; PolyPhen-2: "Benign"; Align-GVGD: "Not Available". The valine amino acid residue is found in multiple mammalian species, which suggests that this missense change does not adversely affect protein function. In summary, the available evidence is currently insufficient to determine the role of this variant in disease. Therefore, it has been classified as a Variant of Uncertain Significance.

NM_000140.5(FECH):c.128C>T (p.Ala43Val)

Gene: FECH (ferrochelatase; minus strand). Cytogenetic location: 18q21.31.
Variant type: single nucleotide variant.
Coding change: c.128C>T on transcript NM_000140.5 (MANE Select); coding-DNA position 128, C replaced by T.
Protein change: p.Ala43Val; replaces alanine 43 with valine.
Molecular consequence: missense variant. On other transcripts: 5 prime UTR variant (1).
Genome position (GRCh38, 1-based): chr18:57,580,139, G>A on the plus strand (C>T on the coding strand, the complement: FECH is on the minus strand). VCF-style: chr18-57580139-G-A. GRCh37 (hg19) VCF-style: chr18-55247371-G-A.
Other names: c.128C>T, p.Ala43Val (NM_001012515.4, NM_001371094.1, NM_001374778.1); c.-89C>T (NM_001371095.1); short protein forms A43V.
Identifiers: ClinVar variation 3709754 (VCV003709754.2).
Genomic context (GRCh38, chr18:57,580,139, plus strand): 5'-TGCGGTTGAACTTGAGGTTTTGCACCCTGGGCATGCTGGGCTGTTTCTGTGGTGACGGCC[G>A]CTGCAGCTGCACCTGACTTCCACCTCCATGGCTGACAGACCCTCCAGCTGCTGGATGCCA-3'
Protein context (NP_000131.2, residues 33-53): PWRWKSGAAA[Ala43Val]AVTTETAQHA